The following is an entry in ClinVar:

ClinVar aggregate classification (germline): Uncertain significance (1 of 4 stars; one submission).

gnomAD v4.1: 1 of 1,211,833 alleles (0.000083%); highest among the groups gnomAD compares: Non-Finnish European, 0.00011%; no homozygotes.

Submission:

GeneDx
Classification: Uncertain significance. Last evaluated: 2016-06-28. Review status: criteria provided, single submitter. Criteria: GeneDx Variant Classification (06012015). Collection method: clinical testing. Allele origin: germline. Affected: yes.
Comment: The P968L variant in the BCORL1 gene has not been reported previously as a pathogenic variant, nor as a benign variant, to our knowledge. The P968L variant was not observed in approximately 6500 individuals of European and African American ancestry in the NHLBI Exome Sequencing Project, indicating it is not a common benign variant in these populations. The P968L variant is a semi-conservative amino acid substitution, which may impact secondary protein structure as these residues differ in some properties. This substitution occurs at a position that is not conserved. However, in silico analysis predicts this variant is probably damaging to the protein structure/function. We interpret P968L as a variant of uncertain significance.

NM_001379451.1(BCORL1):c.2903C>T (p.Pro968Leu)

Gene: BCORL1 (BCL6 corepressor like 1; plus strand). Cytogenetic location: Xq26.1.
Variant type: single nucleotide variant.
Coding change: c.2903C>T on transcript NM_001379451.1 (MANE Select); coding-DNA position 2903, C replaced by T.
Protein change: p.Pro968Leu; replaces proline 968 with leucine.
Molecular consequence: missense variant.
Genome position (GRCh38, 1-based): chrX:130,015,675, C>T. VCF-style: chrX-130015675-C-T. GRCh37 (hg19) VCF-style: chrX-129149651-C-T.
Other names: c.2903C>T, p.Pro968Leu (NM_001184772.3, NM_001379450.1, NM_021946.5); short protein forms P968L.
Identifiers: ClinVar variation 387379 (VCV000387379.2), dbSNP rs1057522774, ClinGen allele CA16608265.